The following is an entry in ClinVar:

ClinVar aggregate classification (germline): Conflicting classifications of pathogenicity. Review status: criteria provided, conflicting classifications (1 of 4 stars). 2 submissions from 2 submitters: Likely pathogenic (1); Uncertain significance (1). Last evaluated 2025-10-17.

Conditions:
Megalencephalic leukoencephalopathy with subcortical cysts 1 (MLC1). Also called: LEUKOENCEPHALOPATHY WITH SWELLING AND CYSTS; VACUOLATING MEGALENCEPHALIC LEUKOENCEPHALOPATHY WITH SUBCORTICAL CYSTS. Identifiers: Orphanet 2478, MedGen C5779875, MONDO:0024555, OMIM 604004.

gnomAD v4.1: 6 of 1,610,230 alleles (0.00037%); highest among the groups gnomAD compares: Non-Finnish European, 0.00051%; no homozygotes.

Submissions (2):

Myriad Genetics, Inc.
Classification: Uncertain significance for Megalencephalic leukoencephalopathy with subcortical cysts 1. Last evaluated: 2025-10-17. Review status: criteria provided, single submitter. Criteria: Myriad Autosomal Dominant, Autosomal Recessive and X-Linked Classification Criteria (2023). Collection method: clinical testing. Allele origin: unknown.
Comment: NM_015166.3(MLC1):c.322-1G>T is a variant in a canonical splice site classified as a variant of uncertain significance in the context of megalencephalic leukoencephalopathy with subcortical cysts. c.322-1G>T has not been observed in cases with relevant disease. Relevant functional assessments of this variant are not available in the literature. c.322-1G>T has not been observed in referenced population frequency databases. In summary, there is insufficient evidence to classify NM_015166.3(MLC1):c.322-1G>T as pathogenic or benign. Please note: this variant was assessed in the context of healthy population screening.

Labcorp Genetics (formerly Invitae), Labcorp
Classification: Likely pathogenic. Last evaluated: 2023-09-04. Review status: criteria provided, single submitter. Criteria: Invitae Variant Classification Sherloc (09022015). Collection method: clinical testing. Allele origin: germline.
Comment: In summary, the currently available evidence indicates that the variant is pathogenic, but additional data are needed to prove that conclusively. Therefore, this variant has been classified as Likely Pathogenic. Algorithms developed to predict the effect of sequence changes on RNA splicing suggest that this variant may disrupt the consensus splice site. This variant has not been reported in the literature in individuals affected with MLC1-related conditions. This variant is not present in population databases (gnomAD no frequency). This sequence change affects an acceptor splice site in intron 4 of the MLC1 gene. It is expected to disrupt RNA splicing. Variants that disrupt the donor or acceptor splice site typically lead to a loss of protein function (PMID: 16199547), and loss-of-function variants in MLC1 are known to be pathogenic (PMID: 11254442, 16470554, 24824219).

Literature cited by the submitters: PubMed 16199547 (cited by Labcorp Genetics (formerly Invitae), Labcorp); PubMed 11254442 (cited by Labcorp Genetics (formerly Invitae), Labcorp); PubMed 16470554 (cited by Labcorp Genetics (formerly Invitae), Labcorp); PubMed 24824219 (cited by Labcorp Genetics (formerly Invitae), Labcorp).

NM_015166.4(MLC1):c.322-1G>T

Gene: MLC1 (modulator of VRAC current 1; minus strand). Cytogenetic location: 22q13.33.
Variant type: single nucleotide variant.
Coding change: c.322-1G>T on transcript NM_015166.4 (MANE Select); the canonical splice acceptor site of the intron before coding-DNA position 322, G replaced by T.
Molecular consequence: splice acceptor variant. On other transcripts: intron variant (3).
Genome position (GRCh38, 1-based): chr22:50,080,020, C>A on the plus strand (G>T on the coding strand, the complement: MLC1 is on the minus strand). VCF-style: chr22-50080020-C-A. GRCh37 (hg19) VCF-style: chr22-50518449-C-A.
Other names: c.322-1G>T (NM_001376474.1, NM_001376475.1, NM_001376476.1 and 6 more transcripts); c.85-1G>T (NM_001376484.1); c.232-1G>T (NM_001376480.1); c.268-2518G>T (NM_001376482.1, NM_001376483.1); c.321+324G>T (NM_001376481.1).
Identifiers: ClinVar variation 2676574 (VCV002676574.6), dbSNP rs2518334579, ClinGen allele CA412110804.